The following is an entry in ClinVar:

NM_002661.5(PLCG2):c.770A>G (p.His257Arg)

Gene: PLCG2 (phospholipase C gamma 2; plus strand). Cytogenetic location: 16q23.3.
Variant type: single nucleotide variant.
Coding change: c.770A>G on transcript NM_002661.5 (MANE Select); coding-DNA position 770, A replaced by G.
Protein change: p.His257Arg; replaces histidine 257 with arginine.
Molecular consequence: missense variant.
Genome position (GRCh38, 1-based): chr16:81,889,176, A>G. VCF-style: chr16-81889176-A-G. GRCh37 (hg19) VCF-style: chr16-81922781-A-G.
Other names: short protein forms H257R.
Identifiers: ClinVar variation 1954911 (VCV001954911.5), dbSNP rs45443101, ClinGen allele CA8193452.
Genomic context (GRCh38, chr16:81,889,176, plus strand): 5'-GAAGAATTTTATCAGTTCTCACTTTGCTGATCTCTCGTTCTCTTTGTCATTTTAAGGAGC[A>G]TTGGGCTCAGGATCTGAACAAAGTCCGTGAGCGGATGACAAAGTTCATTGATGACACCAT-3'
Protein context (NP_002652.2, residues 247-267): QRFLIHEQQE[His257Arg]WAQDLNKVRE

ClinVar aggregate classification (germline): Uncertain significance (1 of 4 stars; one submission).

Conditions:
Familial cold autoinflammatory syndrome 3 (FCAS3). Also called: ANTIBODY DEFICIENCY AND IMMUNE DYSREGULATION, PLCG2-ASSOCIATED; FAMILIAL ATYPICAL COLD URTICARIA. Identifiers: Orphanet 300359, MedGen C3280914, MONDO:0013766, OMIM 614468.

Submission:

Labcorp Genetics (formerly Invitae), Labcorp
Classification: Uncertain significance for Familial cold autoinflammatory syndrome 3. Last evaluated: 2024-02-19. Review status: criteria provided, single submitter. Criteria: Invitae Variant Classification Sherloc (09022015). Collection method: clinical testing. Allele origin: germline.
Comment: This sequence change replaces histidine, which is basic and polar, with arginine, which is basic and polar, at codon 257 of the PLCG2 protein (p.His257Arg). The frequency data for this variant in the population databases is considered unreliable, as metrics indicate poor data quality at this position in the gnomAD database. This variant has not been reported in the literature in individuals affected with PLCG2-related conditions. ClinVar contains an entry for this variant (Variation ID: 1954911). An algorithm developed to predict the effect of missense changes on protein structure and function (PolyPhen-2) suggests that this variant is likely to be tolerated. In summary, the available evidence is currently insufficient to determine the role of this variant in disease. Therefore, it has been classified as a Variant of Uncertain Significance.